The following is an entry in ClinVar:

ClinVar aggregate classification (germline): Uncertain significance (1 of 4 stars; one submission).

Conditions:
Koolen-de Vries syndrome (KDVS). Identifiers: Orphanet 96169, MedGen C1864871, MONDO:0012496, OMIM 610443.

Allele frequency attached by ClinVar (database versions not stated): TOPMed 0.00004.
gnomAD v4.1: 140 of 1,613,940 alleles (0.0087%); highest among the groups gnomAD compares: Non-Finnish European, 0.012%; no homozygotes.

Submission:

Labcorp Genetics (formerly Invitae), Labcorp
Classification: Uncertain significance for Koolen-de Vries syndrome. Last evaluated: 2020-03-26. Review status: criteria provided, single submitter. Criteria: Invitae Variant Classification Sherloc (09022015). Collection method: clinical testing. Allele origin: germline.
Comment: In summary, the available evidence is currently insufficient to determine the role of this variant in disease. Therefore, it has been classified as a Variant of Uncertain Significance. Algorithms developed to predict the effect of missense changes on protein structure and function are either unavailable or do not agree on the potential impact of this missense change (SIFT: "Deleterious"; PolyPhen-2: "Benign"; Align-GVGD: "Class C25"). This variant has not been reported in the literature in individuals with KANSL1-related disease. This variant is present in population databases (rs150345690, ExAC no frequency). This sequence change replaces serine with isoleucine at codon 227 of the KANSL1 protein (p.Ser227Ile). The serine residue is highly conserved and there is a large physicochemical difference between serine and isoleucine.

NM_015443.4(KANSL1):c.680G>T (p.Ser227Ile)

Gene: KANSL1 (KAT8 regulatory NSL complex subunit 1). Cytogenetic location: 17q21.31.
Variant type: single nucleotide variant.
Coding change: c.680G>T on transcript NM_015443.4 (MANE Select); coding-DNA position 680, G replaced by T.
Protein change: p.Ser227Ile; replaces serine 227 with isoleucine.
Molecular consequence: missense variant.
Genome position (GRCh38, 1-based): chr17:46,171,464, C>A on the plus strand (G>T on the coding strand, the complement: KANSL1 is on the minus strand). VCF-style: chr17-46171464-C-A. GRCh37 (hg19) VCF-style: chr17-44248830-C-A.
Other names: c.680G>T, p.Ser227Ile (NM_001193465.2, NM_001193466.2, NM_001379198.1); short protein forms S227I.
Identifiers: ClinVar variation 658520 (VCV000658520.10), dbSNP rs150345690, ClinGen allele CA8618998.